The following is an entry in ClinVar:

NM_174916.3(UBR1):c.947G>A (p.Arg316His)

Gene: UBR1 (ubiquitin protein ligase E3 component n-recognin 1; minus strand). Cytogenetic location: 15q15.2.
Variant type: single nucleotide variant.
Coding change: c.947G>A on transcript NM_174916.3 (MANE Select); coding-DNA position 947, G replaced by A.
Protein change: p.Arg316His; replaces arginine 316 with histidine.
Molecular consequence: missense variant.
Genome position (GRCh38, 1-based): chr15:43,059,740, C>T on the plus strand (G>A on the coding strand, the complement: UBR1 is on the minus strand). VCF-style: chr15-43059740-C-T. GRCh37 (hg19) VCF-style: chr15-43351938-C-T.
Other names: short protein forms R316H.
Identifiers: ClinVar variation 1029286 (VCV001029286.3), dbSNP rs147396426, ClinGen allele CA7518872.
Genomic context (GRCh38, chr15:43,059,740, plus strand): 5'-GAAAAACAGGAGGTATGCTTACTTGAATAGCTCATAATTTTGTTCATCCAGGAACCAAGA[C>T]GCAAAGCAAATTTCTGATGAGCCATAATCTCTGAGTGTAATACTTCTACATGAAGTGGAT-3'
Protein context (NP_777576.1, residues 306-326): EIMAHQKFAL[Arg316His]LGSWMNKIMS

ClinVar aggregate classification (germline): Uncertain significance. Review status: criteria provided, multiple submitters, no conflicts (2 of 4 stars). 3 submissions from 3 submitters: Uncertain significance (3). Last evaluated 2024-08-09.

Conditions:
Inborn genetic diseases. Identifiers: MedGen C0950123, MeSH D030342.
Johanson-Blizzard syndrome (JBS). Also called: Nasal alar hypoplasia, hypothyroidism, pancreatic achylia and congenital deafness. Identifiers: Orphanet 2315, MedGen C0175692, MONDO:0009479, OMIM 243800.

Allele frequency attached by ClinVar (database versions not stated): gnomAD exomes 0.00005 and 0.00012; gnomAD 0.00015 and 0.00017; ExAC 0.00016; TOPMed 0.00019; ESP Exome Variant Server 0.00031.
gnomAD v4.1: 89 of 1,613,918 alleles (0.0055%); highest among the groups gnomAD compares: African/African-American, 0.044%; no homozygotes.

Submissions (3):

GeneDx
Classification: Uncertain significance. Last evaluated: 2024-08-09. Review status: criteria provided, single submitter. Criteria: GeneDx Variant Classification Process June 2021. Collection method: clinical testing. Allele origin: germline. Affected: yes.
Comment: In silico analysis supports that this missense variant has a deleterious effect on protein structure/function; Has not been previously published as pathogenic or benign to our knowledge

Ambry Genetics
Classification: Uncertain significance for Inborn genetic diseases. Last evaluated: 2024-02-21. Review status: criteria provided, single submitter. Criteria: Ambry Variant Classification Scheme 2023. Collection method: clinical testing. Allele origin: germline.

Baylor Genetics
Classification: Uncertain significance for Johanson-Blizzard syndrome. Last evaluated: 2020-02-05. Review status: criteria provided, single submitter. Criteria: ACMG Guidelines, 2015. Collection method: clinical testing. Allele origin: unknown. Affected: yes.
Comment: This variant was determined to be of uncertain significance according to ACMG Guidelines, 2015 [PMID:25741868].